The following is an entry in ClinVar:

ClinVar aggregate classification (germline): Uncertain significance (1 of 4 stars; one submission).

gnomAD v4.1: 6 of 1,614,042 alleles (0.00037%); highest among the groups gnomAD compares: Non-Finnish European, 0.00051%; no homozygotes.

Submission:

Labcorp Genetics (formerly Invitae), Labcorp
Classification: Uncertain significance. Last evaluated: 2025-04-03. Review status: criteria provided, single submitter. Criteria: Invitae Variant Classification Sherloc (09022015). Collection method: clinical testing. Allele origin: germline.
Comment: This sequence change replaces arginine, which is basic and polar, with serine, which is neutral and polar, at codon 367 of the ALPK1 protein (p.Arg367Ser). This variant is present in population databases (rs745594011, gnomAD 0.0009%). This variant has not been reported in the literature in individuals affected with ALPK1-related conditions. Invitae Evidence Modeling of protein sequence and biophysical properties (such as structural, functional, and spatial information, amino acid conservation, physicochemical variation, residue mobility, and thermodynamic stability) indicates that this missense variant is not expected to disrupt ALPK1 protein function with a negative predictive value of 80%. In summary, the available evidence is currently insufficient to determine the role of this variant in disease. Therefore, it has been classified as a Variant of Uncertain Significance.

NM_025144.4(ALPK1):c.1101G>T (p.Arg367Ser)

Gene: ALPK1 (alpha kinase 1; plus strand). Cytogenetic location: 4q25.
Variant type: single nucleotide variant.
Coding change: c.1101G>T on transcript NM_025144.4 (MANE Select); coding-DNA position 1101, G replaced by T.
Protein change: p.Arg367Ser; replaces arginine 367 with serine.
Molecular consequence: missense variant.
Genome position (GRCh38, 1-based): chr4:112,430,648, G>T. VCF-style: chr4-112430648-G-T. GRCh37 (hg19) VCF-style: chr4-113351804-G-T.
Other names: c.1101G>T, p.Arg367Ser (NM_001102406.2); c.867G>T, p.Arg289Ser (NM_001253884.2); short protein forms R367S, R289S.
Identifiers: ClinVar variation 4740304 (VCV004740304.1).